The following is an entry in ClinVar:

ClinVar aggregate classification (germline): Pathogenic (1 of 4 stars; one submission).

Submission:

Labcorp Genetics (formerly Invitae), Labcorp
Classification: Pathogenic. Last evaluated: 2021-03-13. Review status: criteria provided, single submitter. Criteria: Invitae Variant Classification Sherloc (09022015). Collection method: clinical testing. Allele origin: germline.
Comment: This variant has not been reported in the literature in individuals with HPS1-related conditions. For these reasons, this variant has been classified as Pathogenic. This variant is not present in population databases (ExAC no frequency). This sequence change creates a premature translational stop signal (p.Phe72Profs*51) in the HPS1 gene. It is expected to result in an absent or disrupted protein product. Loss-of-function variants in HPS1 are known to be pathogenic (PMID: 12442288, 16185271).

Literature cited by the submitters: PubMed 12442288; PubMed 16185271.

NM_000195.5(HPS1):c.214_217del (p.Phe72fs)

Gene: HPS1 (HPS1 biogenesis of lysosomal organelles complex 3 subunit 1; minus strand). Cytogenetic location: 10q24.2.
Variant type: Deletion.
Coding change: c.214_217del on transcript NM_000195.5 (MANE Select); coding-DNA positions 214 to 217, 4 bases deleted (TTCT; older notation c.214_217delTTCT).
Protein change: p.Phe72fs; shifts the reading frame from phenylalanine 72.
Molecular consequence: frameshift variant. On other transcripts: 5 prime UTR variant (6).
Genome position (GRCh38, 1-based): chr10:98,435,673-98,435,676, AGAA deleted on the plus strand (TTCT on the coding strand, the reverse complement: HPS1 is on the minus strand). VCF-style (leftmost placement, unchanged base first): chr10-98435672-GAGAA-G. GRCh37 (hg19) VCF-style: chr10-100195429-GAGAA-G.
Other names: c.-703_-700del (NM_001311345.2); c.214_217del, p.Phe72fs (NM_001322476.2, NM_001322477.2, NM_001322478.2 and 8 more transcripts); c.-13_-10del (NM_001322483.2, NM_001322484.2, NM_001322485.2); c.-802_-799del (NM_001322487.2); c.-560_-557del (NM_001322489.2); short protein forms F72fs.
Identifiers: ClinVar variation 1410590 (VCV001410590.6), dbSNP rs2136256358, ClinGen allele CA2573146058.